The following is an entry in ClinVar:

NM_020549.5(CHAT):c.2234G>A (p.Gly745Glu)

Gene: CHAT (choline O-acetyltransferase; plus strand). Cytogenetic location: 10q11.23.
Variant type: single nucleotide variant.
Coding change: c.2234G>A on transcript NM_020549.5 (MANE Select); coding-DNA position 2234, G replaced by A.
Protein change: p.Gly745Glu; replaces glycine 745 with glutamic acid.
Molecular consequence: missense variant.
Genome position (GRCh38, 1-based): chr10:49,665,033, G>A. VCF-style: chr10-49665033-G-A. GRCh37 (hg19) VCF-style: chr10-50873079-G-A.
Other names: c.1880G>A, p.Gly627Glu (NM_001142929.2, NM_001142934.2, NM_020984.4 and 2 more transcripts); c.1988G>A, p.Gly663Glu (NM_001142933.2); short protein forms G745E, G627E, G663E.
Identifiers: ClinVar variation 948719 (VCV000948719.2), dbSNP rs867343616, ClinGen allele CA206624125.
Genomic context (GRCh38, chr10:49,665,033, plus strand): 5'-TGCCGCCTACTGAGAGCAAGCCATTGGCAACAAAGGAAAAAGCCACGAGGCCCAGCCAGG[G>A]ACACCAACCTTGACTCCTGCCACTAGGTTTCACCTCCCAAACCCAGCCTCTAGAACAGCC-3'
Protein context (NP_065574.4, residues 735-748): TKEKATRPSQ[Gly745Glu]HQP

ClinVar aggregate classification (germline): Uncertain significance (1 of 4 stars; one submission).

Conditions:
Familial infantile myasthenia (CMS6). Also called: MYASTHENIC SYNDROME, PRESYNAPTIC, CONGENITAL, ASSOCIATED WITH EPISODIC APNEA; Congenital myasthenic syndrome type 6; MYASTHENIC SYNDROME, CONGENITAL, 6, PRESYNAPTIC. Identifiers: Orphanet 590, MedGen C0393929, MONDO:0009689, OMIM 254210.

Allele frequency attached by ClinVar (database versions not stated): gnomAD 0.00001; TOPMed 0.00001.
gnomAD v4.1: 3 of 1,613,798 alleles (0.00019%); highest among the groups gnomAD compares: East Asian, 0.0045%; no homozygotes.

Submission:

Labcorp Genetics (formerly Invitae), Labcorp
Classification: Uncertain significance for Familial infantile myasthenia. Last evaluated: 2025-05-12. Review status: criteria provided, single submitter. Criteria: Invitae Variant Classification Sherloc (09022015). Collection method: clinical testing. Allele origin: germline.
Comment: This sequence change replaces glycine, which is neutral and non-polar, with glutamic acid, which is acidic and polar, at codon 745 of the CHAT protein (p.Gly745Glu). This variant is present in population databases (no rsID available, gnomAD 0.006%). This variant has not been reported in the literature in individuals affected with CHAT-related conditions. ClinVar contains an entry for this variant (Variation ID: 948719). Invitae Evidence Modeling of protein sequence and biophysical properties (such as structural, functional, and spatial information, amino acid conservation, physicochemical variation, residue mobility, and thermodynamic stability) indicates that this missense variant is not expected to disrupt CHAT protein function with a negative predictive value of 95%. In summary, the available evidence is currently insufficient to determine the role of this variant in disease. Therefore, it has been classified as a Variant of Uncertain Significance.